The following is an entry in ClinVar:

ClinVar aggregate classification (germline): Pathogenic/Likely pathogenic. Review status: criteria provided, multiple submitters, no conflicts (2 of 4 stars). 3 submissions from 3 submitters: Pathogenic (1); Likely pathogenic (1). 1 of the submissions does not count toward it. Last evaluated 2025-11-06.

Conditions:
Hemoglobinopathy. Also called: Hemoglobin disorder; Haemoglobinopathies. Identifiers: MedGen C0019045, MONDO:0044348.
beta Thalassemia (BTHAL). Also called: Cooley's anemia; Erythroblastic anemia; Mediterranean anemia. Identifiers: Orphanet 848, MedGen C0005283, MONDO:0019402. Disease mechanism: loss of function.

Submissions (3):

Quest Diagnostics Nichols Institute San Juan Capistrano
Classification: Likely pathogenic. Last evaluated: 2025-11-06. Review status: criteria provided, single submitter. Criteria: Quest Diagnostics criteria. Collection method: clinical testing. Allele origin: unknown.
Comment: The HBB c.8del (p.His3fs) variant alters the translational reading frame of the HBB mRNA and is predicted to cause the premature termination of HBB protein synthesis. This variant has been reported in the published literature in a mother who had a deceased thalassemic child that likely also inherited a deleterious variant (IVS1-5(G-C)) from the father (PMID: 25976460 (2015)). This variant has not been reported in large, multi-ethnic general populations (Genome Aggregation Database). Based on the available information, this variant is classified as likely pathogenic.

Women's Health and Genetics/Laboratory Corporation of America, LabCorp
Classification: Pathogenic for Hemoglobinopathy. Last evaluated: 2024-09-25. Review status: criteria provided, single submitter. Criteria: LabCorp Variant Classification Summary - May 2015. Collection method: clinical testing. Allele origin: germline.
Comment: Variant summary: HBB c.8delA (p.His3LeufsX2) results in a premature termination codon, predicted to cause a truncation of the encoded protein or absence of the protein due to nonsense mediated decay, which are commonly known mechanisms for disease. The variant was absent in 251090 control chromosomes. To our knowledge, no experimental evidence demonstrating an impact on protein function has been reported. The following publication has been ascertained in the context of this evaluation (PMID: 25976460). ClinVar contains an entry for this variant (Variation ID: 869242). Based on the evidence outlined above, the variant was classified as pathogenic.

The ITHANET community portal, The Cyprus Institute of Neurology and Genetics
Classification: Pathogenic for beta Thalassemia. Last evaluated: 2019-11-25. Review status: no assertion criteria provided. Collection method: curation. Allele origin: germline. Not counted in ClinVar's aggregate classification.

Literature cited by the submitters: PubMed 25976460 (cited by 3 submitters).

NM_000518.5(HBB):c.8del (p.His3fs)

Genes: HBB (hemoglobin subunit beta; minus strand), LOC106099062 (HBB recombination region; plus strand), LOC107133510 (origin of replication at HBB; plus strand). Cytogenetic location: 11p15.4.
Variant type: Deletion.
Coding change: c.8del on transcript NM_000518.5 (MANE Select); coding-DNA position 8, one base deleted (A; older notation c.8delA).
Protein change: p.His3fs; shifts the reading frame from histidine 3.
Molecular consequence: frameshift variant.
Genome position (GRCh38, 1-based): chr11:5,227,014, T deleted on the plus strand (A on the coding strand, the reverse complement: HBB is on the minus strand). VCF-style (leftmost placement, unchanged base first): chr11-5227013-AT-A. GRCh37 (hg19) VCF-style: chr11-5248243-AT-A.
Other names: CD 2 CAT>C-T; c.8del (NM_000518.4); c.8delA (NM_000518.5); short protein forms H3fs.
Identifiers: ClinVar variation 869242 (VCV000869242.5), dbSNP rs1847589398, ClinGen allele CA916083227.